The following is an entry in ClinVar:

NM_175875.5(SIX5):c.82G>A (p.Glu28Lys)

Genes: DM1-AS (DM1 locus antisense RNA; plus strand), SIX5 (SIX homeobox 5; minus strand), LOC107075317 (origin of replication in DMPK trinucleotide repeat region; plus strand), LOC129929037 (ATAC-STARR-seq lymphoblastoid silent region 10794; plus strand). Cytogenetic location: 19q13.32.
Variant type: single nucleotide variant.
Coding change: c.82G>A on transcript NM_175875.5 (MANE Select); coding-DNA position 82, G replaced by A.
Protein change: p.Glu28Lys; replaces glutamic acid 28 with lysine.
Molecular consequence: missense variant.
Genome position (GRCh38, 1-based): chr19:45,768,763, C>T on the plus strand (G>A on the coding strand, the complement: SIX5 is on the minus strand). VCF-style: chr19-45768763-C-T. GRCh37 (hg19) VCF-style: chr19-46272021-C-T.
Other names: short protein forms E28K.
Identifiers: ClinVar variation 3584030 (VCV003584030.3).

ClinVar aggregate classification (germline): Uncertain significance. Review status: criteria provided, multiple submitters, no conflicts (2 of 4 stars). 2 submissions from 2 submitters: Uncertain significance (2). Last evaluated 2025-09-05.

Conditions:
Branchiootorenal syndrome 2 (BOR2). Identifiers: Orphanet 107, MedGen C1970479, MONDO:0012575, OMIM 610896.

Submissions (2):

Labcorp Genetics (formerly Invitae), Labcorp
Classification: Uncertain significance. Last evaluated: 2025-09-05. Review status: criteria provided, single submitter. Criteria: Invitae Variant Classification Sherloc (09022015). Collection method: clinical testing. Allele origin: germline.
Comment: This sequence change replaces glutamic acid, which is acidic and polar, with lysine, which is basic and polar, at codon 28 of the SIX5 protein (p.Glu28Lys). This variant is present in population databases (no rsID available, gnomAD 0.03%). This variant has not been reported in the literature in individuals affected with SIX5-related conditions. ClinVar contains an entry for this variant (Variation ID: 3584030). Experimental studies and prediction algorithms are not available or were not evaluated, and the functional significance of this variant is currently unknown. In summary, the available evidence is currently insufficient to determine the role of this variant in disease. Therefore, it has been classified as a Variant of Uncertain Significance.

Fulgent Genetics
Classification: Uncertain significance for Branchiootorenal syndrome 2. Last evaluated: 2024-04-18. Review status: criteria provided, single submitter. Criteria: ACMG Guidelines, 2015. Collection method: clinical testing. Allele origin: germline.